The following is an entry in ClinVar:

ClinVar aggregate classification (germline): Uncertain significance. Review status: criteria provided, multiple submitters, no conflicts (2 of 4 stars). 3 submissions from 3 submitters: Uncertain significance (3). Last evaluated 2022-11-16.

Conditions:
Jeune thoracic dystrophy. Also called: Jeune syndrome; Infantile thoracic dystrophy; Thoracic pelvic phalangeal dystrophy; Jeune's syndrome; Chondroectodermal dysplasia-like syndrome; Short-rib thoracic dysplasia. Identifiers: Orphanet 474, MedGen C0265275, MONDO:0018770.

Allele frequency attached by ClinVar (database versions not stated): gnomAD exomes 0.00002; TOPMed 0.00003; gnomAD 0.00004; ExAC 0.00008; ESP Exome Variant Server 0.00009.
gnomAD v4.1: 46 of 1,566,584 alleles (0.0029%); highest among the groups gnomAD compares: Non-Finnish European, 0.0039%; no homozygotes.

Submissions (3):

Blueprint Genetics
Classification: Uncertain significance. Last evaluated: 2022-11-16. Review status: criteria provided, single submitter. Criteria: ACMG Guidelines, 2015. Collection method: clinical testing. Allele origin: germline.

Labcorp Genetics (formerly Invitae), Labcorp
Classification: Uncertain significance for Jeune thoracic dystrophy. Last evaluated: 2022-09-01. Review status: criteria provided, single submitter. Criteria: Invitae Variant Classification Sherloc (09022015). Collection method: clinical testing. Allele origin: germline.
Comment: This sequence change replaces glutamic acid, which is acidic and polar, with alanine, which is neutral and non-polar, at codon 3433 of the DYNC2H1 protein (p.Glu3433Ala). This variant is present in population databases (rs375512191, gnomAD 0.008%). This variant has not been reported in the literature in individuals affected with DYNC2H1-related conditions. ClinVar contains an entry for this variant (Variation ID: 1316890). Advanced modeling of protein sequence and biophysical properties (such as structural, functional, and spatial information, amino acid conservation, physicochemical variation, residue mobility, and thermodynamic stability) performed at Invitae indicates that this missense variant is not expected to disrupt DYNC2H1 protein function. In summary, the available evidence is currently insufficient to determine the role of this variant in disease. Therefore, it has been classified as a Variant of Uncertain Significance.

GeneDx
Classification: Uncertain significance. Last evaluated: 2021-04-13. Review status: criteria provided, single submitter. Criteria: GeneDx Variant Classification Process June 2021. Collection method: clinical testing. Allele origin: germline. Affected: yes.
Comment: Not observed at a significant frequency in large population cohorts (Lek et al., 2016); In silico analysis, which includes protein predictors and evolutionary conservation, supports a deleterious effect; Has not been previously published as pathogenic or benign to our knowledge

NM_001377.3(DYNC2H1):c.10277A>C (p.Glu3426Ala)

Gene: DYNC2H1 (dynein cytoplasmic 2 heavy chain 1; plus strand). Cytogenetic location: 11q22.3.
Variant type: single nucleotide variant.
Coding change: c.10277A>C on transcript NM_001377.3 (MANE Select); coding-DNA position 10277, A replaced by C.
Protein change: p.Glu3426Ala; replaces glutamic acid 3426 with alanine.
Molecular consequence: missense variant.
Genome position (GRCh38, 1-based): chr11:103,255,485, A>C. VCF-style: chr11-103255485-A-C. GRCh37 (hg19) VCF-style: chr11-103126214-A-C.
Other names: c.10298A>C, p.Glu3433Ala (NM_001080463.2); short protein forms E3426A, E3433A.
Identifiers: ClinVar variation 1316890 (VCV001316890.4), dbSNP rs375512191, ClinGen allele CA6254941.
Genomic context (GRCh38, chr11:103,255,485, plus strand): 5'-TAACCATTCAGCATGAGAAACCTGATTTAGAAGAACAGAAAACAAAACTATTACAACAGG[A>C]AGAAGATAAGAAAATACAGCTAGCCAAGCTCGAAGAATCTCTTCTAGAGGTAAAAGTCTA-3'
Protein context (NP_001368.2, residues 3416-3436): EEQKTKLLQQ[Glu3426Ala]EDKKIQLAKL